The following is an entry in ClinVar:

NM_001005373.4(LRSAM1):c.1780C>T (p.Arg594Cys)

Gene: LRSAM1 (leucine rich repeat and sterile alpha motif containing 1; plus strand). Cytogenetic location: 9q33.3.
Variant type: single nucleotide variant.
Coding change: c.1780C>T on transcript NM_001005373.4 (MANE Select); coding-DNA position 1780, C replaced by T.
Protein change: p.Arg594Cys; replaces arginine 594 with cysteine.
Molecular consequence: missense variant. On other transcripts: non-coding transcript variant (2).
Genome position (GRCh38, 1-based): chr9:127,496,045, C>T. VCF-style: chr9-127496045-C-T. GRCh37 (hg19) VCF-style: chr9-130258324-C-T.
Other names: c.1780C>T (NM_138361.4); c.1780C>T, p.Arg594Cys (NM_001005374.4, NM_001384142.1, NM_138361.5); c.1699C>T, p.Arg567Cys (NM_001190723.3); c.1681C>T, p.Arg561Cys (NM_001384143.1); c.991C>T, p.Arg331Cys (NM_001384144.1); short protein forms R594C, R567C, R331C, R561C.
Identifiers: ClinVar variation 423366 (VCV000423366.39), dbSNP rs150062009, ClinGen allele CA5247125.

ClinVar aggregate classification (germline): Uncertain significance. Review status: criteria provided, multiple submitters, no conflicts (2 of 4 stars). 6 submissions from 6 submitters: Uncertain significance (5). 1 of the submissions does not count toward it. Last evaluated 2026-02-12.

Conditions:
LRSAM1-related disorder. Also called: LRSAM1-related condition.
Inborn genetic diseases. Identifiers: MedGen C0950123, MeSH D030342.
Charcot-Marie-Tooth disease axonal type 2P. Also called: Charcot-Marie-Tooth Neuropathy Type 2G; CHARCOT-MARIE-TOOTH DISEASE, AXONAL, TYPE 2G; CMT 2G; CHARCOT-MARIE-TOOTH NEUROPATHY, TYPE 2P. Identifiers: Orphanet 300319, Orphanet 99941, MedGen C3280797, MONDO:0013753, OMIM 614436.

Allele frequency attached by ClinVar (database versions not stated): gnomAD 0.00019 and 0.00021; gnomAD exomes 0.00019 and 0.00022; TOPMed 0.00019; ExAC 0.00021; ESP Exome Variant Server 0.00031.
gnomAD v4.1: 307 of 1,612,306 alleles (0.019%); highest among the groups gnomAD compares: Non-Finnish European, 0.019%; no homozygotes.

Submissions (6):

GeneDx
Classification: Uncertain significance. Last evaluated: 2026-02-12. Review status: criteria provided, single submitter. Criteria: GeneDx Variant Classification Process June 2021. Collection method: clinical testing. Allele origin: germline. Affected: yes.
Comment: In silico analysis supports that this missense variant has a deleterious effect on protein structure/function; Has not been previously published as pathogenic or benign to our knowledge; This variant is associated with the following publications: (PMID: 22781092)

Labcorp Genetics (formerly Invitae), Labcorp
Classification: Uncertain significance for Charcot-Marie-Tooth disease axonal type 2P. Last evaluated: 2026-01-19. Review status: criteria provided, single submitter. Criteria: Invitae Variant Classification Sherloc (09022015). Collection method: clinical testing. Allele origin: germline.
Comment: This sequence change replaces arginine, which is basic and polar, with cysteine, which is neutral and slightly polar, at codon 594 of the LRSAM1 protein (p.Arg594Cys). This variant is present in population databases (rs150062009, gnomAD 0.06%). This variant has not been reported in the literature in individuals affected with LRSAM1-related conditions. ClinVar contains an entry for this variant (Variation ID: 423366). Invitae Evidence Modeling of protein sequence and biophysical properties (such as structural, functional, and spatial information, amino acid conservation, physicochemical variation, residue mobility, and thermodynamic stability) indicates that this missense variant is expected to disrupt LRSAM1 protein function with a positive predictive value of 80%. In summary, the available evidence is currently insufficient to determine the role of this variant in disease. Therefore, it has been classified as a Variant of Uncertain Significance.

Blueprint Genetics
Classification: Uncertain significance. Last evaluated: 2024-09-17. Review status: criteria provided, single submitter. Criteria: ACMG Guidelines, 2015. Collection method: clinical testing. Allele origin: germline.

CeGaT Center for Human Genetics Tuebingen
Classification: Uncertain significance. Last evaluated: 2023-07-01. Review status: criteria provided, single submitter. Criteria: CeGaT Center For Human Genetics Tuebingen Variant Classification Criteria Version 2. Collection method: clinical testing. Allele origin: germline. Affected: yes. Observed: 1 variant allele.
Comment: LRSAM1: PM2

Ambry Genetics
Classification: Uncertain significance for Inborn genetic diseases. Last evaluated: 2020-11-02. Review status: criteria provided, single submitter. Criteria: Ambry Variant Classification Scheme 2023. Collection method: clinical testing. Allele origin: germline.
Comment: The p.R594C variant (also known as c.1780C>T), located in coding exon 21 of the LRSAM1 gene, results from a C to T substitution at nucleotide position 1780. The arginine at codon 594 is replaced by cysteine, an amino acid with highly dissimilar properties. This amino acid position is highly conserved in available vertebrate species. In addition, this alteration is predicted to be deleterious by in silico analysis. Based on the supporting evidence, this variant is unlikely to be causative of autosomal dominant Charcot-Marie-Tooth disease, type 2P; however, its contribution to the development of autosomal recessive Charcot-Marie-Tooth disease, type 2P is uncertain.

PreventionGenetics, part of Exact Sciences
Classification: Uncertain significance for LRSAM1-related condition. Last evaluated: 2024-07-24. Review status: no assertion criteria provided. Collection method: clinical testing. Allele origin: germline. Not counted in ClinVar's aggregate classification.
Comment: The LRSAM1 c.1780C>T variant is predicted to result in the amino acid substitution p.Arg594Cys. To our knowledge, this variant has not been reported in the literature. This variant is reported in 0.067% of alleles in individuals of European (Finnish) descent in gnomAD. Alternative variant at the same codon p.Arg595His has been observed in an individual with Charcot-Marie-Tooth disease (Table S2, Volodarsky et al 2021. PubMed ID: 32376792). Although we suspect that this variant may be benign, at this time, the clinical significance of this variant is uncertain due to the absence of conclusive functional and genetic evidence.